The following is an entry in ClinVar:

NM_198904.4(GABRG2):c.1358C>A (p.Ala453Asp)

Gene: GABRG2 (gamma-aminobutyric acid type A receptor subunit gamma2; plus strand). Cytogenetic location: 5q34.
Variant type: single nucleotide variant.
Coding change: c.1358C>A on transcript NM_198904.4 (MANE Select); coding-DNA position 1358, C replaced by A.
Protein change: p.Ala453Asp; replaces alanine 453 with aspartic acid.
Molecular consequence: missense variant. On other transcripts: 3 prime UTR variant (1).
Genome position (GRCh38, 1-based): chr5:162,153,298, C>A. VCF-style: chr5-162153298-C-A. GRCh37 (hg19) VCF-style: chr5-161580304-C-A.
Other names: c.1334C>A, p.Ala445Asp (NM_000816.3); c.1349C>A, p.Ala450Asp (NM_001375339.1); c.*192C>A (NM_001375340.1); c.1355C>A, p.Ala452Asp (NM_001375341.1); c.1331C>A, p.Ala444Asp (NM_001375342.1); c.1454C>A, p.Ala485Asp (NM_001375343.1); c.1397C>A, p.Ala466Asp (NM_001375344.1); c.1268C>A, p.Ala423Asp (NM_001375345.1); and 6 more; short protein forms A350D, A424D, A423D, A452D, A431D, A445D, A466D, A485D.
Identifiers: ClinVar variation 2934489 (VCV002934489.3), dbSNP rs2113651364, ClinGen allele CA362183965.
Genomic context (GRCh38, chr5:162,153,298, plus strand): 5'-GAACAGGAGCTTGGAGACATGGGAGGATACATATCCGCATTGCCAAAATGGACTCCTATG[C>A]TCGGATCTTCTTCCCCACTGCCTTCTGCCTGTTTAATCTGGTCTATTGGGTCTCCTACCT-3'
Protein context (NP_944494.1, residues 443-463): HIRIAKMDSY[Ala453Asp]RIFFPTAFCL

ClinVar aggregate classification (germline): Uncertain significance (1 of 4 stars; one submission).

Conditions:
EPILEPSY, CHILDHOOD ABSENCE, SUSCEPTIBILITY TO, 2 (ECA2). Identifiers: Orphanet 64280, MedGen C1843244, OMIM 607681.
Febrile seizures, familial, 8 (FEB8). Also called: CONVULSIONS, FAMILIAL FEBRILE, 8. Identifiers: Orphanet 36387, MedGen C1969810, MONDO:0011891, OMIM 607681.

Submission:

Labcorp Genetics (formerly Invitae), Labcorp
Classification: Uncertain significance for Febrile seizures, familial, 8; EPILEPSY, CHILDHOOD ABSENCE, SUSCEPTIBILITY TO, 2. Last evaluated: 2023-12-17. Review status: criteria provided, single submitter. Criteria: Invitae Variant Classification Sherloc (09022015). Collection method: clinical testing. Allele origin: germline.
Comment: This sequence change replaces alanine, which is neutral and non-polar, with aspartic acid, which is acidic and polar, at codon 445 of the GABRG2 protein (p.Ala445Asp). This variant is not present in population databases (gnomAD no frequency). This variant has not been reported in the literature in individuals affected with GABRG2-related conditions. Advanced modeling of protein sequence and biophysical properties (such as structural, functional, and spatial information, amino acid conservation, physicochemical variation, residue mobility, and thermodynamic stability) performed at Invitae indicates that this missense variant is expected to disrupt GABRG2 protein function with a positive predictive value of 95%. In summary, the available evidence is currently insufficient to determine the role of this variant in disease. Therefore, it has been classified as a Variant of Uncertain Significance.